The following continues an entry in ClinVar:

NM_004360.5(CDH1):c.715G>A (p.Gly239Arg)

Gene: CDH1. ClinVar aggregate classification (germline): Pathogenic. Pathogenic (1).

Submissions 8 to 14 of 14:

Fulgent Genetics
Classification: Likely pathogenic for Familial cancer of breast; Blepharocheilodontic syndrome 1; Hereditary diffuse gastric adenocarcinoma; Ovarian cancer; Familial prostate cancer; Endometrial carcinoma. Last evaluated: 2022-04-03. Review status: criteria provided, single submitter. Criteria: ACMG Guidelines, 2015. Collection method: clinical testing. Allele origin: unknown. Not counted in ClinVar's aggregate classification.

Department of Pathology and Laboratory Medicine, Sinai Health System
Classification: Pathogenic for CDH1-related diffuse gastric and lobular breast cancer syndrome. Last evaluated: 2022-01-10. Review status: criteria provided, single submitter. Criteria: ACMG Guidelines, 2015. Collection method: clinical testing. Allele origin: germline. Not counted in ClinVar's aggregate classification.

GeneDx
Classification: Pathogenic. Last evaluated: 2021-11-17. Review status: criteria provided, single submitter. Criteria: GeneDx Variant Classification Process June 2021. Collection method: clinical testing. Allele origin: germline. Affected: yes. Not counted in ClinVar's aggregate classification.
Comment: Identified in patients with diffuse gastric cancer, but also in unaffected relatives (Kaurah 2007, More 2007, Kim 2013, Wang 2020); RNA studies demonstrate abnormal splicing, with an out-of-frame deletion of the first 29 base pairs of exon 6 being the most abundant transcript as well as a small amount of full-length transcript harboring the G293R missense change (Kaurah 2007, Yelskaya 2021); Published functional studies demonstrate a negative impact on E-cadherin function with respect to suppression of invasion, increased cell motility, increased EGFR activation, and intracellular signaling; however, there have been mixed results regarding its impact on intercellular adhesion (More 2007, Mateus 2009, Petrova 2016); In silico analysis supports a deleterious effect on splicing; In silico analysis supports that this missense variant has a deleterious effect on protein structure/function; Not observed at significant frequency in large population cohorts (Lek 2016); This variant is associated with the following publications: (PMID: 23264079, 26681312, 16924464, 17221870, 20373070, 22098830, 26845104, 26182300, 28873162, 29577179, 31246251, 33809393, 15235021, 22850631, 34012620, 31511843, 32269045, 19268661, 27582386, 17545690, 33619332)

Women's Health and Genetics/Laboratory Corporation of America, LabCorp
Classification: Pathogenic for Hereditary diffuse gastric cancer. Last evaluated: 2018-08-22. Review status: criteria provided, single submitter. Criteria: LabCorp Variant Classification Summary - May 2015. Collection method: clinical testing. Allele origin: germline. Not counted in ClinVar's aggregate classification.
Comment: Variant summary: CDH1 c.715G>A (p.Gly239Arg) results in a non-conservative amino acid change located in the Cadherin domain (IPR002126) of the encoded protein sequence. Three of five in-silico tools predict a damaging effect of the variant on protein function. Several computational tools predict that the variant creates a 3' acceptor site without a significant impact on the canonical splicing site. One publication reports experimental evidence that this variant affects mRNA splicing, causing the deletion of the first 29 base pairs from exon 6 (validated by minigene analysis)(Kaurah_2007) (ACMG PP3 and ACMG PS3 consistent with ClinGen recommendations by Lee_CDH1_Human Mut_2018). The variant was absent in 246230 control chromosomes (gnomAD) (ACMG PM2). The variant, c.715G>A, has been reported in the literature in multiple individuals and families affected with Hereditary Diffuse Gastric Cancer, where it segregated with disease (Kaurah_CDH1_JAMA_2007, Shirts_2016, Mandelker_2017, Kim_2013) and in one Breast Cancer case (Susswein_2016). Overall, these data indicate that the variant is likely to be associated with disease (ACMG PS4 consistent with ClinGen recommendations by Lee_CDH1_Human Mut_2018). Functional studies showed that this variant is associated with deficient E-cadherin function with no significant/moderate changes in protein expression levels (More_2007, Kim_2013), increased motility with reduced affinity for EGFR and higher EGFR activation (Mateus_2009, Figueiredo_2010). However, one other study showed that this variant does not affect adhesion but affects transduction of signaling across the membrane (Petrova_2016). In accordance with the ClinGen recommendations, we did not use functional assays for missense variants as evidence for CDH1 variant classification. However, the variant still meets the ClinGen recommended ACMG PS3 criteria as it results in an abnormal out of frame transcript as discussed above. Six clinical diagnostic laboratories have submitted clinical-significance assessments for this variant to ClinVar after 2014 without evidence for independent evaluation (VUS 1x, likely pathogenic/pathogenic 5x). Based on the evidence outlined above, the variant was classified as pathogenic and also consistent with the ClinGen recommended criteria for CDH1 variant classification (ACMG PS3, PS4, PM2, PP3).

University of Washington Department of Laboratory Medicine, University of Washington
Classification: Likely pathogenic for Hereditary cancer-predisposing syndrome. Last evaluated: 2015-11-20. Review status: criteria provided, single submitter. Criteria: Shirts et al. (Genet Med 2016). Collection method: clinical testing. Allele origin: germline. Affected: yes. Observed: 1 variant allele. Not counted in ClinVar's aggregate classification.

PreventionGenetics, part of Exact Sciences
Classification: Likely pathogenic for CDH1-related condition. Last evaluated: 2024-03-16. Review status: no assertion criteria provided. Collection method: clinical testing. Allele origin: germline. Not counted in ClinVar's aggregate classification.
Comment: The CDH1 c.715G>A variant is predicted to result in the amino acid substitution p.Gly239Arg. This variant has been reported in individuals with diffuse gastric cancer (More et al. 2007. PubMed ID: 17221870; Kaurah et al. 2007. PubMed ID: 17545690; Kim et al. 2013. PubMed ID: 23264079). It was also reported in individuals with breast cancer (Table S1 at Susswein et al. 2016. PubMed ID: 26681312). This change is predicted to affect normal splicing and this effect was confirmed by RT-PCR analysis and minigene studies (Kaurah et al. 2007. PubMed ID: 17545690). Functional studies showed that this variant resulted in increased matrigel invasion, enhanced cell motility, and increased EGFR activation (More et al. 2007. PubMed ID: 17221870; Mateus et al. 2009. PubMed ID: 19268661; Petrova et al. 2016. PubMed ID: 27582386). This variant is interpreted as pathogenic in ClinVar. This variant has not been reported in a large population database, indicating this variant is rare. This variant is interpreted as likely pathogenic.

Counsyl
Classification: Likely pathogenic for Hereditary diffuse gastric adenocarcinoma. Last evaluated: 2016-09-26. Review status: no assertion criteria provided. Collection method: clinical testing. Allele origin: unknown. Not counted in ClinVar's aggregate classification.

Literature cited by the submitters: PubMed 16924464 (cited by 4 submitters); PubMed 17221870 (cited by 8 submitters); PubMed 17545690 (cited by 8 submitters); PubMed 19268661 (cited by 6 submitters); PubMed 23264079 (cited by 8 submitters); PubMed 26681312 (cited by 7 submitters); PubMed 27582386 (cited by 5 submitters); PubMed 26845104 (cited by 4 submitters); PubMed 28873162 (cited by 3 submitters); PubMed 32269045 (cited by Labcorp Genetics (formerly Invitae), Labcorp and Quest Diagnostics Nichols Institute San Juan Capistrano); PubMed 30311375 (cited by Labcorp Genetics (formerly Invitae), Labcorp and Quest Diagnostics Nichols Institute San Juan Capistrano); PubMed 33619332 (cited by 3 submitters); PubMed 29577179 (cited by Quest Diagnostics Nichols Institute San Juan Capistrano and Women's Health and Genetics/Laboratory Corporation of America, LabCorp); PubMed 33471991 (cited by Quest Diagnostics Nichols Institute San Juan Capistrano); PubMed 29922827 (cited by Quest Diagnostics Nichols Institute San Juan Capistrano); PubMed 34949788 (cited by Quest Diagnostics Nichols Institute San Juan Capistrano); PubMed 20373070 (cited by Quest Diagnostics Nichols Institute San Juan Capistrano); PubMed 26182300 (cited by Myriad Genetics, Inc. and Counsyl); PubMed 19725995 (cited by Women's Health and Genetics/Laboratory Corporation of America, LabCorp).